The following is an entry in ClinVar:

ClinVar aggregate classification (germline): Pathogenic (1 of 4 stars; one submission).

Conditions:
Alstrom syndrome (ALMS). Identifiers: Orphanet 64, MedGen C0268425, MONDO:0008763, OMIM 203800.

Submission:

Labcorp Genetics (formerly Invitae), Labcorp
Classification: Pathogenic for Alstrom syndrome. Last evaluated: 2025-09-14. Review status: criteria provided, single submitter. Criteria: Invitae Variant Classification Sherloc (09022015). Collection method: clinical testing. Allele origin: germline.
Comment: This sequence change creates a premature translational stop signal (p.Glu75*) in the ALMS1 gene. It is expected to result in an absent or disrupted protein product. Loss-of-function variants in ALMS1 are known to be pathogenic (PMID: 17594715). This variant is not present in population databases (gnomAD no frequency). This variant has not been reported in the literature in individuals affected with ALMS1-related conditions. For these reasons, this variant has been classified as Pathogenic.

Literature cited by the submitters: PubMed 17594715.

NM_001378454.1(ALMS1):c.220G>T (p.Glu74Ter)

Gene: ALMS1 (ALMS1 centrosome and basal body associated protein; plus strand). Cytogenetic location: 2p13.1.
Variant type: single nucleotide variant.
Coding change: c.220G>T on transcript NM_001378454.1 (MANE Select); coding-DNA position 220, G replaced by T.
Protein change: p.Glu74Ter; replaces glutamic acid 74 with a stop codon.
Molecular consequence: nonsense.
Genome position (GRCh38, 1-based): chr2:73,386,088, G>T. VCF-style: chr2-73386088-G-T. GRCh37 (hg19) VCF-style: chr2-73613216-G-T.
Other names: c.223G>T, p.Glu75Ter (NM_015120.4); short protein forms E74*, E75*.
Identifiers: ClinVar variation 4809859 (VCV004809859.1).